The following is an entry in ClinVar:

ClinVar aggregate classification (germline): Uncertain significance (1 of 4 stars; one submission).

Allele frequency attached by ClinVar (database versions not stated): gnomAD exomes 0.00009; TOPMed 0.00009; gnomAD 0.00002; ESP Exome Variant Server 0.00015; 1000 Genomes Project 30x 0.00016; ExAC 0.00016; 1000 Genomes Project 0.00020.
gnomAD v4.1: 130 of 1,595,798 alleles (0.0081%); highest among the groups gnomAD compares: East Asian, 0.22%; 1 homozygote.

Submission:

Labcorp Genetics (formerly Invitae), Labcorp
Classification: Uncertain significance. Last evaluated: 2024-09-27. Review status: criteria provided, single submitter. Criteria: Invitae Variant Classification Sherloc (09022015). Collection method: clinical testing. Allele origin: germline.
Comment: This sequence change replaces arginine, which is basic and polar, with glutamine, which is neutral and polar, at codon 194 of the CEP89 protein (p.Arg194Gln). This variant is present in population databases (rs200677765, gnomAD 0.08%), and has an allele count higher than expected for a pathogenic variant. This variant has not been reported in the literature in individuals affected with CEP89-related conditions. ClinVar contains an entry for this variant (Variation ID: 2056735). An algorithm developed to predict the effect of missense changes on protein structure and function (PolyPhen-2) suggests that this variant is likely to be tolerated. In summary, the available evidence is currently insufficient to determine the role of this variant in disease. Therefore, it has been classified as a Variant of Uncertain Significance.

NM_032816.5(CEP89):c.581G>A (p.Arg194Gln)

Gene: CEP89 (centrosomal protein 89; minus strand). Cytogenetic location: 19q13.11.
Variant type: single nucleotide variant.
Coding change: c.581G>A on transcript NM_032816.5 (MANE Select); coding-DNA position 581, G replaced by A.
Protein change: p.Arg194Gln; replaces arginine 194 with glutamine.
Molecular consequence: missense variant.
Genome position (GRCh38, 1-based): chr19:32,948,280, C>T on the plus strand (G>A on the coding strand, the complement: CEP89 is on the minus strand). VCF-style: chr19-32948280-C-T. GRCh37 (hg19) VCF-style: chr19-33439186-C-T.
Other names: short protein forms R194Q.
Identifiers: ClinVar variation 2056735 (VCV002056735.4), dbSNP rs200677765, ClinGen allele CA9359614.